The following is an entry in ClinVar:

ClinVar aggregate classification (germline): Uncertain significance (1 of 4 stars; one submission).

Conditions:
Cardiovascular phenotype. Identifiers: MedGen CN230736.

Submission:

Ambry Genetics
Classification: Uncertain significance for Cardiovascular phenotype. Last evaluated: 2023-11-29. Review status: criteria provided, single submitter. Criteria: Ambry Variant Classification Scheme 2023. Collection method: clinical testing. Allele origin: germline.
Comment: The p.R226G variant (also known as c.676A>G), located in coding exon 6 of the AKAP9 gene, results from an A to G substitution at nucleotide position 676. The arginine at codon 226 is replaced by glycine, an amino acid with dissimilar properties. This amino acid position is conserved. In addition, this alteration is predicted to be tolerated by in silico analysis. Since supporting evidence is limited at this time, the clinical significance of this alteration remains unclear.

NM_005751.5(AKAP9):c.676A>G (p.Arg226Gly)

Gene: AKAP9 (A-kinase anchoring protein 9; plus strand). Cytogenetic location: 7q21.2.
Variant type: single nucleotide variant.
Coding change: c.676A>G on transcript NM_005751.5 (MANE Select); coding-DNA position 676, A replaced by G.
Protein change: p.Arg226Gly; replaces arginine 226 with glycine.
Molecular consequence: missense variant.
Genome position (GRCh38, 1-based): chr7:91,994,720, A>G. VCF-style: chr7-91994720-A-G. GRCh37 (hg19) VCF-style: chr7-91624034-A-G.
Other names: c.676A>G, p.Arg226Gly (NM_147185.3); short protein forms R226G.
Identifiers: ClinVar variation 3225082 (VCV003225082.1), dbSNP rs2484671475, ClinGen allele CA368119945.
Genomic context (GRCh38, chr7:91,994,720, plus strand): 5'-ATTATAACCCAGCTCACTGCTAATTTACAACAAGCAAGAAGAGAAAAGGATGAGACAATG[A>G]GAGAATTTTTAGAGTTGACAGAACAGAGTCAAAAATTACAGATTCAATTTCAGCAAGTAA-3'
Protein context (NP_005742.4, residues 216-236): QARREKDETM[Arg226Gly]EFLELTEQSQ